The following is an entry in ClinVar:

ClinVar aggregate classification (germline): Uncertain significance (1 of 4 stars; one submission).

Conditions:
Hereditary breast ovarian cancer syndrome. Also called: Hereditary breast and ovarian cancer syndrome; Hereditary breast and ovarian cancer syndrome (HBOC); BRCA1- and BRCA2-Associated Hereditary Breast and Ovarian Cancer; Hereditary breast and ovarian cancer; Breast and ovarian cancer; Hereditary breast and/or ovarian cancer syndrome. Identifiers: Orphanet 145, MedGen C0677776, MeSH D061325, MONDO:0003582. Disease mechanism: loss of function.

Submission:

Labcorp Genetics (formerly Invitae), Labcorp
Classification: Uncertain significance for Hereditary breast ovarian cancer syndrome. Last evaluated: 2024-03-06. Review status: criteria provided, single submitter. Criteria: Invitae Variant Classification Sherloc (09022015). Collection method: clinical testing. Allele origin: germline.
Comment: This sequence change replaces serine, which is neutral and polar, with threonine, which is neutral and polar, at codon 1020 of the BRCA2 protein (p.Ser1020Thr). This variant is not present in population databases (gnomAD no frequency). This variant has not been reported in the literature in individuals affected with BRCA2-related conditions. Advanced modeling of protein sequence and biophysical properties (such as structural, functional, and spatial information, amino acid conservation, physicochemical variation, residue mobility, and thermodynamic stability) performed at Invitae indicates that this missense variant is not expected to disrupt BRCA2 protein function with a negative predictive value of 95%. In summary, the available evidence is currently insufficient to determine the role of this variant in disease. Therefore, it has been classified as a Variant of Uncertain Significance.

NM_000059.4(BRCA2):c.3058T>A (p.Ser1020Thr)

Gene: BRCA2 (BRCA2 DNA repair associated; plus strand). Cytogenetic location: 13q13.1.
Variant type: single nucleotide variant.
Coding change: c.3058T>A on transcript NM_000059.4 (MANE Select); coding-DNA position 3058, T replaced by A.
Protein change: p.Ser1020Thr; replaces serine 1020 with threonine.
Molecular consequence: missense variant. On other transcripts: non-coding transcript variant (1), intron variant (2).
Genome position (GRCh38, 1-based): chr13:32,337,413, T>A. VCF-style: chr13-32337413-T-A. GRCh37 (hg19) VCF-style: chr13-32911550-T-A.
Other names: c.3058T>A, p.Ser1020Thr (NM_001406719.1, NM_001406720.1, NM_001432077.1); c.1909+4026T>A (NM_001406721.1); c.424+6383T>A (NM_001406722.1); short protein forms S1020T.
Identifiers: ClinVar variation 3636449 (VCV003636449.2).
Genomic context (GRCh38, chr13:32,337,413, plus strand): 5'-ATTTCAAATCACAGTTTTGGAGGTAGCTTCAGAACAGCTTCAAATAAGGAAATCAAGCTC[T>A]CTGAACATAACATTAAGAAGAGCAAAATGTTCTTCAAAGATATTGAAGAACAATATCCTA-3'
Protein context (NP_000050.3, residues 1010-1030): RTASNKEIKL[Ser1020Thr]EHNIKKSKMF